The following is an entry in ClinVar:

ClinVar aggregate classification (germline): Uncertain significance (1 of 4 stars; one submission).

Conditions:
GM3 synthase deficiency (SPDRS). Also called: SALT AND PEPPER MENTAL RETARDATION SYNDROME; SALT AND PEPPER DEVELOPMENTAL REGRESSION SYNDROME; AMISH INFANTILE EPILEPSY SYNDROME. Identifiers: Orphanet 171714, Orphanet 370933, MedGen C1836824, MONDO:0018274, OMIM 609056.

Allele frequency attached by ClinVar (database versions not stated): gnomAD exomes below 0.00001.
gnomAD v4.1: 1 of 1,614,162 alleles (0.000062%); highest among the groups gnomAD compares: Non-Finnish European, 0.000085%; no homozygotes.

Submission:

Labcorp Genetics (formerly Invitae), Labcorp
Classification: Uncertain significance for Salt and pepper developmental regression syndrome. Last evaluated: 2019-08-21. Review status: criteria provided, single submitter. Criteria: Invitae Variant Classification Sherloc (09022015). Collection method: clinical testing. Allele origin: germline.
Comment: This sequence change replaces proline with leucine at codon 249 of the ST3GAL5 protein (p.Pro249Leu). The proline residue is highly conserved and there is a moderate physicochemical difference between proline and leucine. This variant is not present in population databases (ExAC no frequency). This variant has not been reported in the literature in individuals with ST3GAL5-related conditions. Algorithms developed to predict the effect of missense changes on protein structure and function (SIFT, PolyPhen-2, Align-GVGD) all suggest that this variant is likely to be disruptive, but these predictions have not been confirmed by published functional studies and their clinical significance is uncertain. In summary, the available evidence is currently insufficient to determine the role of this variant in disease. Therefore, it has been classified as a Variant of Uncertain Significance.

NM_003896.4(ST3GAL5):c.746C>T (p.Pro249Leu)

Gene: ST3GAL5 (ST3 beta-galactoside alpha-2,3-sialyltransferase 5; minus strand). Cytogenetic location: 2p11.2.
Variant type: single nucleotide variant.
Coding change: c.746C>T on transcript NM_003896.4 (MANE Select); coding-DNA position 746, C replaced by T.
Protein change: p.Pro249Leu; replaces proline 249 with leucine.
Molecular consequence: missense variant.
Genome position (GRCh38, 1-based): chr2:85,846,480, G>A on the plus strand (C>T on the coding strand, the complement: ST3GAL5 is on the minus strand). VCF-style: chr2-85846480-G-A. GRCh37 (hg19) VCF-style: chr2-86073603-G-A.
Other names: c.677C>T, p.Pro226Leu (NM_001042437.2); c.362C>T, p.Pro121Leu (NM_001354223.2, NM_001354224.2, NM_001354226.2 and 3 more transcripts); c.662C>T, p.Pro221Leu (NM_001354227.2, NM_001354229.2, NM_001354238.1); c.23C>T, p.Pro8Leu (NM_001354247.1); c.746C>T, p.Pro249Leu (NM_001363847.1); short protein forms P121L, P221L, P249L, P226L, P8L.
Identifiers: ClinVar variation 939924 (VCV000939924.1), dbSNP rs1682807408, ClinGen allele CA347531041.